The following is an entry in ClinVar:

ClinVar aggregate classification (germline): Uncertain significance (1 of 4 stars; one submission).

Conditions:
Hereditary cancer-predisposing syndrome. Also called: Neoplastic Syndromes, Hereditary; Tumor predisposition; Hereditary neoplastic syndrome; Hereditary Cancer Syndrome. Identifiers: Orphanet 140162, MedGen C0027672, MeSH D009386, MONDO:0015356.

Submission:

Ambry Genetics
Classification: Uncertain significance for Hereditary cancer-predisposing syndrome. Last evaluated: 2026-07-02. Review status: criteria provided, single submitter. Criteria: Ambry Variant Classification Scheme 2023. Collection method: clinical testing. Allele origin: germline.
Comment: The p.N140K variant (also known as c.420T>G), located in coding exon 5 of the PMS2 gene, results from a T to G substitution at nucleotide position 420. The asparagine at codon 140 is replaced by lysine, an amino acid with similar properties. This amino acid position is conserved. In addition, this alteration is predicted to be tolerated by in silico analysis. Based on the available evidence, the clinical significance of this variant remains unclear.

NM_000535.7(PMS2):c.420T>G (p.Asn140Lys)

Gene: PMS2 (PMS1 homolog 2, mismatch repair system component; minus strand). Cytogenetic location: 7p22.1.
Variant type: single nucleotide variant.
Coding change: c.420T>G on transcript NM_000535.7 (MANE Select); coding-DNA position 420, T replaced by G.
Protein change: p.Asn140Lys; replaces asparagine 140 with lysine.
Molecular consequence: missense variant. On other transcripts: non-coding transcript variant (1), intron variant (1), 5 prime UTR variant (2).
Genome position (GRCh38, 1-based): chr7:6,002,570, A>C on the plus strand (T>G on the coding strand, the complement: PMS2 is on the minus strand). VCF-style: chr7-6002570-A-C. GRCh37 (hg19) VCF-style: chr7-6042201-A-C.
Other names: c.15T>G, p.Asn5Lys (NM_001322003.2, NM_001406887.1, NM_001406888.1 and 24 more transcripts); c.420T>G, p.Asn140Lys (NM_001406874.1, NM_001406884.1, NM_001406886.1 and 8 more transcripts); c.111T>G, p.Asn37Lys (NM_001406875.1, NM_001406877.1, NM_001406878.1 and 6 more transcripts); c.102T>G, p.Asn34Lys (NM_001406876.1, NM_001406883.1, NM_001406901.1 and 4 more transcripts); c.250+1402T>G (NM_001406885.1); c.-465T>G (NM_001322011.2, NM_001322012.2); c.606T>G, p.Asn202Lys (NM_001406866.1); c.444T>G, p.Asn148Lys (NM_001406868.1); short protein forms N37K, N5K, N34K, N202K, N140K, N148K.
Identifiers: ClinVar variation 5026906 (VCV005026906.1).